The following is an entry in ClinVar:

ClinVar aggregate classification (germline): Pathogenic (1 of 4 stars; one submission).

Submission:

Labcorp Genetics (formerly Invitae), Labcorp
Classification: Pathogenic. Last evaluated: 2022-07-19. Review status: criteria provided, single submitter. Criteria: Invitae Variant Classification Sherloc (09022015). Collection method: clinical testing. Allele origin: germline.
Comment: This sequence change creates a premature translational stop signal (p.Ala195Leufs*53) in the ERCC2 gene. It is expected to result in an absent or disrupted protein product. Loss-of-function variants in ERCC2 are known to be pathogenic (PMID: 9238033, 11335038, 19085937, 19934020). For these reasons, this variant has been classified as Pathogenic. ClinVar contains an entry for this variant (Variation ID: 1375106). This variant has not been reported in the literature in individuals affected with ERCC2-related conditions. This variant is not present in population databases (gnomAD no frequency).

Literature cited by the submitters: PubMed 9238033; PubMed 11335038; PubMed 19085937; PubMed 19934020.

NM_000400.4(ERCC2):c.580del (p.Ala195fs)

Gene: ERCC2 (ERCC excision repair 2, TFIIH core complex helicase subunit; minus strand). Cytogenetic location: 19q13.32.
Variant type: Deletion.
Coding change: c.580del on transcript NM_000400.4 (MANE Select); coding-DNA position 580, one base deleted (C; older notation c.580delC).
Protein change: p.Ala195fs; shifts the reading frame from alanine 195.
Molecular consequence: frameshift variant.
Genome position (GRCh38, 1-based): chr19:45,364,852, G deleted on the plus strand (C on the coding strand, the reverse complement: ERCC2 is on the minus strand); the first of 2 consecutive G bases (chr19:45,364,852-45,364,853); deleting either gives the same sequence. VCF-style (leftmost placement, unchanged base first): chr19-45364851-AG-A. GRCh37 (hg19) VCF-style: chr19-45868109-AG-A.
Other names: c.508del, p.Ala171fs (NM_001130867.2); short protein forms A171fs, A195fs.
Identifiers: ClinVar variation 1375106 (VCV001375106.6), dbSNP rs2123294697, ClinGen allele CA2573156455.